The following is an entry in ClinVar:

ClinVar aggregate classification (germline): Benign/Likely benign. Review status: criteria provided, multiple submitters, no conflicts (2 of 4 stars). 2 submissions from 2 submitters: Benign (1); Likely benign (1). Last evaluated 2026-04-27.

Conditions:
Colorectal cancer, susceptibility to, 1. Also called: COLORECTAL ADENOMA AND CANCER, SUSCEPTIBILITY TO; COLORECTAL CANCER, SUSCEPTIBILITY TO, ON CHROMOSOME 9. Identifiers: MedGen C1837315, MONDO:0012132, OMIM 608812.

Allele frequency attached by ClinVar (database versions not stated): TOPMed below 0.00001; ExAC 0.00001; gnomAD exomes below 0.00001.
gnomAD v4.1: 2 of 1,614,128 alleles (0.00012%); highest among the groups gnomAD compares: Admixed American, 0.0033%; no homozygotes.

Submissions (2):

Myriad Genetics, Inc.
Classification: Benign for Colorectal cancer, susceptibility to, 1. Last evaluated: 2026-04-27. Review status: criteria provided, single submitter. Criteria: Myriad Autosomal Dominant, Autosomal Recessive and X-Linked Classification Criteria (2023). Collection method: clinical testing. Allele origin: unknown.
Comment: This variant is considered benign. This variant is a silent/synonymous amino acid change and it is not expected to impact splicing.

Ambry Genetics
Classification: Likely benign. Last evaluated: 2020-07-14. Review status: criteria provided, single submitter. Criteria: Ambry Variant Classification Scheme 2023. Collection method: clinical testing. Allele origin: germline.

NM_024642.5(GALNT12):c.1293T>A (p.Thr431=)

Gene: GALNT12 (polypeptide N-acetylgalactosaminyltransferase 12; plus strand). Cytogenetic location: 9q22.33.
Variant type: single nucleotide variant.
Coding change: c.1293T>A on transcript NM_024642.5 (MANE Select); coding-DNA position 1293, T replaced by A.
Protein change: p.Thr431=; no amino-acid change (threonine 431 retained).
Molecular consequence: synonymous variant.
Genome position (GRCh38, 1-based): chr9:98,840,082, T>A. VCF-style: chr9-98840082-T-A. GRCh37 (hg19) VCF-style: chr9-101602364-T-A.
Identifiers: ClinVar variation 1769167 (VCV001769167.3), dbSNP rs778827951, ClinGen allele CA5154222.